The following is an entry in ClinVar:

NM_004260.4(RECQL4):c.2677C>T (p.Pro893Ser)

Gene: RECQL4 (RecQ like helicase 4; minus strand). Cytogenetic location: 8q24.3.
Variant type: single nucleotide variant.
Coding change: c.2677C>T on transcript NM_004260.4 (MANE Select); coding-DNA position 2677, C replaced by T.
Protein change: p.Pro893Ser; replaces proline 893 with serine.
Molecular consequence: missense variant.
Genome position (GRCh38, 1-based): chr8:144,512,925, G>A on the plus strand (C>T on the coding strand, the complement: RECQL4 is on the minus strand). VCF-style: chr8-144512925-G-A. GRCh37 (hg19) VCF-style: chr8-145738308-G-A.
Other names: short protein forms P893S.
Identifiers: ClinVar variation 935474 (VCV000935474.6), dbSNP rs1264247879, ClinGen allele CA372675371.
Genomic context (GRCh38, chr8:144,512,925, plus strand): 5'-AAGCCTGTACGGTAAGCTGTATTGGGAGTGCCCGCTCATGGCCCATGCAGACCCTTCTGG[G>A]TCCTGGGGCTGCTTGGTGGCTAAGCTGCTCAGCCTCTTGAGGGGGGTACTTGGGCACAGG-3'
Protein context (NP_004251.4, residues 883-903): EQLSHQAAPG[Pro893Ser]RRVCMGHERA

ClinVar aggregate classification (germline): Uncertain significance (1 of 4 stars; one submission).

Conditions:
Baller-Gerold syndrome (BGS). Also called: CRANIOSYNOSTOSIS WITH RADIAL DEFECTS. Identifiers: Orphanet 1225, MedGen C0265308, MONDO:0009039, OMIM 218600.

Allele frequency attached by ClinVar (database versions not stated): gnomAD exomes 0.00001.
gnomAD v4.1: 10 of 1,581,842 alleles (0.00063%); highest among the groups gnomAD compares: Non-Finnish European, 0.00077%; no homozygotes.

Submission:

Labcorp Genetics (formerly Invitae), Labcorp
Classification: Uncertain significance for Baller-Gerold syndrome. Last evaluated: 2023-10-03. Review status: criteria provided, single submitter. Criteria: Invitae Variant Classification Sherloc (09022015). Collection method: clinical testing. Allele origin: germline.
Comment: This sequence change replaces proline, which is neutral and non-polar, with serine, which is neutral and polar, at codon 893 of the RECQL4 protein (p.Pro893Ser). The frequency data for this variant in the population databases is considered unreliable, as metrics indicate poor data quality at this position in the gnomAD database. This variant has not been reported in the literature in individuals affected with RECQL4-related conditions. ClinVar contains an entry for this variant (Variation ID: 935474). Advanced modeling of protein sequence and biophysical properties (such as structural, functional, and spatial information, amino acid conservation, physicochemical variation, residue mobility, and thermodynamic stability) performed at Invitae indicates that this missense variant is not expected to disrupt RECQL4 protein function. In summary, the available evidence is currently insufficient to determine the role of this variant in disease. Therefore, it has been classified as a Variant of Uncertain Significance.